The following is an entry in ClinVar:

ClinVar aggregate classification (germline): Uncertain significance (1 of 4 stars; one submission).

Conditions:
Central core myopathy (CMYO1A). Also called: Central core disease; Myopathy, central fibrillar; CONGENITAL MYOPATHY 1A, AUTOSOMAL DOMINANT, WITH SUSCEPTIBILITY TO MALIGNANT HYPERTHERMIA. Identifiers: Orphanet 597, MedGen C5830701, MONDO:0007294, OMIM 117000.

Submission:

Baylor Genetics
Classification: Uncertain significance for Central core myopathy. Last evaluated: 2018-06-28. Review status: criteria provided, single submitter. Criteria: ACMG Guidelines, 2015. Collection method: clinical testing. Allele origin: paternal. Affected: yes.
Comment: This variant was determined to be of uncertain significance according to ACMG Guidelines, 2015 [PMID:25741868].

NM_000540.3(RYR1):c.1349A>G (p.Tyr450Cys)

Gene: RYR1 (ryanodine receptor 1; plus strand). Cytogenetic location: 19q13.2.
Variant type: single nucleotide variant.
Coding change: c.1349A>G on transcript NM_000540.3 (MANE Select); coding-DNA position 1349, A replaced by G.
Protein change: p.Tyr450Cys; replaces tyrosine 450 with cysteine.
Molecular consequence: missense variant.
Genome position (GRCh38, 1-based): chr19:38,452,923, A>G. VCF-style: chr19-38452923-A-G. GRCh37 (hg19) VCF-style: chr19-38943563-A-G.
Other names: c.1349A>G, p.Tyr450Cys (NM_001042723.2); short protein forms Y450C.
Identifiers: ClinVar variation 1031614 (VCV001031614.1), dbSNP rs1967156624, ClinGen allele CA405685986.